The following is an entry in ClinVar:

NM_001710.6(CFB):c.124G>T (p.Val42Leu)

Gene: CFB (complement factor B; plus strand). Cytogenetic location: 6p21.33.
Variant type: single nucleotide variant.
Coding change: c.124G>T on transcript NM_001710.6 (MANE Select); coding-DNA position 124, G replaced by T.
Protein change: p.Val42Leu; replaces valine 42 with leucine.
Molecular consequence: missense variant.
Genome position (GRCh38, 1-based): chr6:31,946,432, G>T. VCF-style: chr6-31946432-G-T. GRCh37 (hg19) VCF-style: chr6-31914209-G-T.
Other names: short protein forms V42L.
Identifiers: ClinVar variation 2969605 (VCV002969605.3), dbSNP rs1252302409, ClinGen allele CA363388168.

ClinVar aggregate classification (germline): Uncertain significance (1 of 4 stars; one submission).

Allele frequency attached by ClinVar (database versions not stated): gnomAD 0.00001.

Submission:

Labcorp Genetics (formerly Invitae), Labcorp
Classification: Uncertain significance. Last evaluated: 2024-01-22. Review status: criteria provided, single submitter. Criteria: Invitae Variant Classification Sherloc (09022015). Collection method: clinical testing. Allele origin: germline.
Comment: This sequence change replaces valine, which is neutral and non-polar, with leucine, which is neutral and non-polar, at codon 42 of the CFB protein (p.Val42Leu). This variant is present in population databases (no rsID available, gnomAD 0.007%). This variant has not been reported in the literature in individuals affected with CFB-related conditions. Advanced modeling of protein sequence and biophysical properties (such as structural, functional, and spatial information, amino acid conservation, physicochemical variation, residue mobility, and thermodynamic stability) performed at Invitae indicates that this missense variant is not expected to disrupt CFB protein function with a negative predictive value of 80%. In summary, the available evidence is currently insufficient to determine the role of this variant in disease. Therefore, it has been classified as a Variant of Uncertain Significance.